The following is an entry in ClinVar:

ClinVar aggregate classification (germline): Uncertain significance. Review status: criteria provided, multiple submitters, no conflicts (2 of 4 stars). 2 submissions from 2 submitters: Uncertain significance (2). Last evaluated 2025-11-17.

Allele frequency attached by ClinVar (database versions not stated): TOPMed 0.00003; ExAC 0.00005.
gnomAD v4.1: 131 of 1,537,212 alleles (0.0085%); highest among the groups gnomAD compares: East Asian, 0.0098%; 2 homozygotes.

Submissions (2):

Labcorp Genetics (formerly Invitae), Labcorp
Classification: Uncertain significance. Last evaluated: 2025-11-17. Review status: criteria provided, single submitter. Criteria: Invitae Variant Classification Sherloc (09022015). Collection method: clinical testing. Allele origin: germline.
Comment: This sequence change replaces threonine, which is neutral and polar, with asparagine, which is neutral and polar, at codon 118 of the DTHD1 protein (p.Thr118Asn). This variant is present in population databases (rs765224946, gnomAD 0.01%). This variant has not been reported in the literature in individuals affected with DTHD1-related conditions. ClinVar contains an entry for this variant (Variation ID: 956336). An algorithm developed to predict the effect of missense changes on protein structure and function (PolyPhen-2) suggests that this variant is likely to be tolerated. In summary, the available evidence is currently insufficient to determine the role of this variant in disease. Therefore, it has been classified as a Variant of Uncertain Significance.

Ambry Genetics
Classification: Uncertain significance. Last evaluated: 2024-08-20. Review status: criteria provided, single submitter. Criteria: Ambry Variant Classification Scheme 2023. Collection method: clinical testing. Allele origin: germline.

NM_001170700.3(DTHD1):c.1223C>A (p.Thr408Asn)

Gene: DTHD1 (death domain containing 1; plus strand). Cytogenetic location: 4p14.
Variant type: single nucleotide variant.
Coding change: c.1223C>A on transcript NM_001170700.3 (MANE Select); coding-DNA position 1223, C replaced by A.
Protein change: p.Thr408Asn; replaces threonine 408 with asparagine.
Molecular consequence: missense variant. On other transcripts: non-coding transcript variant (1), intron variant (1).
Genome position (GRCh38, 1-based): chr4:36,293,530, C>A. VCF-style: chr4-36293530-C-A. GRCh37 (hg19) VCF-style: chr4-36295152-C-A.
Other names: c.353C>A, p.Thr118Asn (NM_001136536.5); c.349-59C>A (NM_001378435.1); c.848C>A (NM_001170700.1); short protein forms T408N, T118N.
Identifiers: ClinVar variation 956336 (VCV000956336.10), dbSNP rs765224946, ClinGen allele CA2885624.